The following is an entry in ClinVar:

ClinVar aggregate classification (germline): Uncertain significance (1 of 4 stars; one submission).

Conditions:
Cortical dysplasia-focal epilepsy syndrome (PTHSL1). Also called: Pitt-Hopkins-like syndrome 1. Identifiers: Orphanet 163681, Orphanet 221150, MedGen C2750246, MONDO:0012400, OMIM 610042.

Allele frequency attached by ClinVar (database versions not stated): gnomAD exomes below 0.00001.
gnomAD v4.1: 1 of 1,614,078 alleles (0.000062%); highest among the groups gnomAD compares: Non-Finnish European, 0.000085%; no homozygotes.

Submission:

Labcorp Genetics (formerly Invitae), Labcorp
Classification: Uncertain significance for Cortical dysplasia-focal epilepsy syndrome. Last evaluated: 2021-11-05. Review status: criteria provided, single submitter. Criteria: Invitae Variant Classification Sherloc (09022015). Collection method: clinical testing. Allele origin: germline.
Comment: This sequence change replaces alanine, which is neutral and non-polar, with threonine, which is neutral and polar, at codon 887 of the CNTNAP2 protein (p.Ala887Thr). This variant is not present in population databases (gnomAD no frequency). This variant has not been reported in the literature in individuals affected with CNTNAP2-related conditions. Algorithms developed to predict the effect of missense changes on protein structure and function are either unavailable or do not agree on the potential impact of this missense change (SIFT: "Deleterious"; PolyPhen-2: "Probably Damaging"; Align-GVGD: "Class C0"). In summary, the available evidence is currently insufficient to determine the role of this variant in disease. Therefore, it has been classified as a Variant of Uncertain Significance.

NM_014141.6(CNTNAP2):c.2659G>A (p.Ala887Thr)

Gene: CNTNAP2 (contactin associated protein 2; plus strand). Cytogenetic location: 7q35.
Variant type: single nucleotide variant.
Coding change: c.2659G>A on transcript NM_014141.6 (MANE Select); coding-DNA position 2659, G replaced by A.
Protein change: p.Ala887Thr; replaces alanine 887 with threonine.
Molecular consequence: missense variant.
Genome position (GRCh38, 1-based): chr7:148,147,595, G>A. VCF-style: chr7-148147595-G-A. GRCh37 (hg19) VCF-style: chr7-147844687-G-A.
Other names: short protein forms A887T.
Identifiers: ClinVar variation 1349657 (VCV001349657.6), dbSNP rs2116652575, ClinGen allele CA369928045.
Genomic context (GRCh38, chr7:148,147,595, plus strand): 5'-GTAGAGATTGTAGTGAGGTCACCAACCCCTCTCAACGATGACCAGTGGCACCGGGTCACT[G>A]CAGAGAGGAATGTCAAGCAGGCCAGCCTACAGGTGGACCGGCTACCGCAGCAGATCCGCA-3'
Protein context (NP_054860.1, residues 877-897): LNDDQWHRVT[Ala887Thr]ERNVKQASLQ